The following is an entry in ClinVar:

NM_000169.3(GLA):c.859T>C (p.Trp287Arg)

Genes: GLA (galactosidase alpha; minus strand), RPL36A-HNRNPH2 (RPL36A-HNRNPH2 readthrough; plus strand). Cytogenetic location: Xq22.1.
Variant type: single nucleotide variant.
Coding change: c.859T>C on transcript NM_000169.3 (MANE Select); coding-DNA position 859, T replaced by C.
Protein change: p.Trp287Arg; replaces tryptophan 287 with arginine.
Molecular consequence: missense variant. On other transcripts: non-coding transcript variant (3), intron variant (2).
Genome position (GRCh38, 1-based): chrX:101,398,510, A>G on the plus strand (T>C on the coding strand, the complement: GLA is on the minus strand). VCF-style: chrX-101398510-A-G. GRCh37 (hg19) VCF-style: chrX-100653498-A-G.
Other names: c.982T>C, p.Trp328Arg (NM_001406747.1); c.859T>C, p.Trp287Arg (NM_001406748.1); c.300+3053A>G (NM_001199973.2); c.177+6688A>G (NM_001199974.2); short protein forms W287R, W328R.
Identifiers: ClinVar variation 4087556 (VCV004087556.2).

ClinVar aggregate classification (germline): Uncertain significance (1 of 4 stars; one submission).

Conditions:
Fabry disease. Also called: ALPHA-GALACTOSIDASE A DEFICIENCY; ANDERSON-FABRY DISEASE; CERAMIDE TRIHEXOSIDASE DEFICIENCY; GLA DEFICIENCY; HEREDITARY DYSTOPIC LIPIDOSIS; Angiokeratoma corporis diffusum. Identifiers: Orphanet 324, MedGen C0002986, MONDO:0010526, OMIM 301500, HP:0001071. Disease mechanism: Fabry disease is due to inactivating mutations in the X-linked GLA gene resulting in deficiency of the enzyme Alpha Galactosidase-A., loss of function.

Submission:

Genomenon, Inc
Classification: Uncertain significance for Fabry disease. Last evaluated: 2026-09-08. Review status: criteria provided, single submitter. Criteria: Genomenon Sequence Variant Interpretation Standards - Updated. Collection method: curation. Allele origin: germline. Affected: yes.
Comment: GLA p.Trp287Arg (c.859T>C) is a missense variant that changes the amino acid at codon 287 from Tryptophan to Arginine. This variant has been observed in at least one proband with clinical features consistent with Fabry disease (PMID:32883051;38002959). It is absent or not present at a significant frequency in gnomAD. In silico models predict that this variant is possibly or probably damaging. In conclusion, we classify GLA p.Trp287Arg (c.859T>C) as a variant of uncertain significance.

Literature cited by the submitters: PubMed 32883051; PubMed 38002959.